The following is an entry in ClinVar:

NM_015450.3(POT1):c.757T>C (p.Ser253Pro)

Gene: POT1 (protection of telomeres 1; minus strand). Cytogenetic location: 7q31.33.
Variant type: single nucleotide variant.
Coding change: c.757T>C on transcript NM_015450.3 (MANE Select); coding-DNA position 757, T replaced by C.
Protein change: p.Ser253Pro; replaces serine 253 with proline.
Molecular consequence: missense variant. On other transcripts: non-coding transcript variant (3).
Genome position (GRCh38, 1-based): chr7:124,853,084, A>G on the plus strand (T>C on the coding strand, the complement: POT1 is on the minus strand). VCF-style: chr7-124853084-A-G. GRCh37 (hg19) VCF-style: chr7-124493138-A-G.
Other names: c.364T>C, p.Ser122Pro (NM_001042594.2); short protein forms S122P, S253P.
Identifiers: ClinVar variation 3226690 (VCV003226690.1), dbSNP rs2485441925, ClinGen allele CA369055594.

ClinVar aggregate classification (germline): Uncertain significance (1 of 4 stars; one submission).

Conditions:
Hereditary cancer-predisposing syndrome. Also called: Neoplastic Syndromes, Hereditary; Tumor predisposition; Hereditary neoplastic syndrome; Hereditary Cancer Syndrome. Identifiers: Orphanet 140162, MedGen C0027672, MeSH D009386, MONDO:0015356.

Submission:

Ambry Genetics
Classification: Uncertain significance for Hereditary cancer-predisposing syndrome. Last evaluated: 2024-01-21. Review status: criteria provided, single submitter. Criteria: Ambry Variant Classification Scheme 2023. Collection method: clinical testing. Allele origin: germline.
Comment: The p.S253P variant (also known as c.757T>C), located in coding exon 6 of the POT1 gene, results from a T to C substitution at nucleotide position 757. The serine at codon 253 is replaced by proline, an amino acid with similar properties. This amino acid position is conserved. In addition, this alteration is predicted to be tolerated by in silico analysis. Based on the available evidence, the clinical significance of this alteration remains unclear.